The following is an entry in ClinVar:

ClinVar aggregate classification (germline): Likely benign. Review status: reviewed by expert panel (3 of 4 stars). 3 submissions from 3 submitters: Likely benign (1). 2 of the submissions do not count toward it. Last evaluated 2023-11-13.

Conditions:
Inborn genetic diseases. Identifiers: MedGen C0950123, MeSH D030342.
Hereditary thrombocytopenia and hematologic cancer predisposition syndrome. Identifiers: Orphanet 71290, MedGen CN281654, MONDO:0011071.
Hereditary thrombocytopenia and hematological cancer predisposition syndrome associated with RUNX1. Also called: PLATELET DISORDER, ASPIRIN-LIKE; RUNX1 Familial Platelet Disorder with Associated Myeloid Malignancies; Familial Platelet Disorder with Propensity to Acute Myelogenous Leukemia; Familial thrombocytopenia with propensity to acute myelogenous leukemia. Identifiers: Orphanet 71290, MedGen C1832388, MeSH C563324, MONDO:0100083, OMIM 601399.

Allele frequency attached by ClinVar (database versions not stated): gnomAD exomes below 0.00001.
gnomAD v4.1: 3 of 1,591,840 alleles (0.00019%); highest among the groups gnomAD compares: Non-Finnish European, 0.00026%; no homozygotes.

Submissions (3):

ClinGen Myeloid Malignancy Variant Curation Expert Panel
Classification: Likely benign for Hereditary thrombocytopenia and hematologic cancer predisposition syndrome. Last evaluated: 2023-11-13. Review status: reviewed by expert panel. Criteria: ClinGen MyeloMalig ACMG Specifications v2. Collection method: curation. Allele origin: germline. Inheritance: Autosomal dominant inheritance.
Comment: The NM_001754.5(RUNX1):c.1092C>T (p.Ile364=) synonymous variant in RUNX1 has a reported MAF of Allele frequency 0.00001 (1/88634) in non-Finnish Europeans, and does not meet criteria for BA1, BS2, or PM2_Supporting. REVEL score is not calculable, as this is a synonymous variant. SpliceAI predicts: Acceptor loss 0.00, Donor loss 0.00, Acceptor gain 0.00, Donor gain 0.00. Evolutionary conservation prediction algorithms predict the site as not being conserved (PhyloP score 0.245646 < 2.0). In summary, this variant is classified as Likely Benign. ACMG/AMP criteria applied, as specified by the Myeloid Malignancy Variant Curation Expert Panel for RUNX1: BP4, BP7.

Ambry Genetics
Classification: Likely benign for Inborn genetic diseases. Last evaluated: 2025-10-22. Review status: criteria provided, single submitter. Criteria: Ambry Variant Classification Scheme 2023. Collection method: clinical testing. Allele origin: germline. Not counted in ClinVar's aggregate classification.

Labcorp Genetics (formerly Invitae), Labcorp
Classification: Likely benign for Hereditary thrombocytopenia and hematological cancer predisposition syndrome associated with RUNX1. Last evaluated: 2019-05-27. Review status: criteria provided, single submitter. Criteria: Invitae Variant Classification Sherloc (09022015). Collection method: clinical testing. Allele origin: germline. Not counted in ClinVar's aggregate classification.

NM_001754.5(RUNX1):c.1092C>T (p.Ile364=)

Gene: RUNX1 (RUNX family transcription factor 1; minus strand). Cytogenetic location: 21q22.12.
Variant type: single nucleotide variant.
Coding change: c.1092C>T on transcript NM_001754.5 (MANE Select); coding-DNA position 1092, C replaced by T.
Protein change: p.Ile364=; no amino-acid change (isoleucine 364 retained).
Molecular consequence: synonymous variant.
Genome position (GRCh38, 1-based): chr21:34,792,486, G>A on the plus strand (C>T on the coding strand, the complement: RUNX1 is on the minus strand). VCF-style: chr21-34792486-G-A. GRCh37 (hg19) VCF-style: chr21-36164783-G-A.
Other names: NM_001754.5(RUNX1):c.1092C>T; p.Ile364=; c.1011C>T, p.Ile337= (NM_001001890.3); c.1092C>T (NM_001754.4).
Identifiers: ClinVar variation 1095950 (VCV001095950.10), dbSNP rs1321389332, ClinGen allele CA512341312.
Genomic context (GRCh38, chr21:34,792,486, plus strand): 5'-GGGCGGCGGCAGGTAGGTGTGGTAGCGCGTGGCCGAGCCCATGGCCGACATGCCGATGCC[G>A]ATGCCCGAGGTGACCGGCGTCGGGGAGTAGGTGAAGGCGCCTGGATAGTGCATGCGGGGG-3'
Protein context (NP_001745.2, residues 354-374): TYSPTPVTSG[Ile364=]GIGMSAMGSA